The following is an entry in ClinVar:

NM_015466.4(PTPN23):c.4719_4720delinsA (p.Ser1574fs)

Gene: PTPN23 (protein tyrosine phosphatase non-receptor type 23; plus strand). Cytogenetic location: 3p21.31.
Variant type: Indel.
Coding change: c.4719_4720delinsA on transcript NM_015466.4 (MANE Select); coding-DNA positions 4719 to 4720, CT replaced by A.
Protein change: p.Ser1574fs; shifts the reading frame from serine 1574.
Molecular consequence: frameshift variant.
Genome position (GRCh38, 1-based): chr3:47,412,993-47,412,994, CT replaced by A. VCF-style: chr3-47412993-CT-A. GRCh37 (hg19) VCF-style: chr3-47454483-CT-A.
Other names: c.4341_4342delinsA, p.Ser1448fs (NM_001304482.2); short protein forms S1448fs, S1574fs.
Identifiers: ClinVar variation 1064532 (VCV001064532.3), dbSNP rs2107730191, ClinGen allele CA2499216807.

ClinVar aggregate classification (germline): Likely pathogenic (0 of 4 stars; one submission).

Conditions:
Hereditary spastic paraplegia. Also called: Familial spastic paraparesis. Identifiers: Orphanet 685, MedGen C0037773, MONDO:0019064. Disease mechanism: loss of function.

Submission:

New Leaf Center
Classification: Likely pathogenic for Hereditary spastic paraplegia. Last evaluated: 2021-04-12. Review status: no assertion criteria provided. Collection method: research. Allele origin: inherited. Inheritance: Autosomal recessive inheritance. Affected: yes. Observed: 6 variant alleles, 6 homozygotes.
Comment: Likely results escapes non-sense mediated decay and results in a truncated protein of 1572/1636 amino acids, similar to Bend et al 2020 Patient 4 (EJHG) with a similar phenotype Segregation in 6 distantly related Palestinian individuals Very rare in population databases with no homozygous individuals